The following is an entry in ClinVar:

ClinVar aggregate classification (germline): Benign/Likely benign. Review status: criteria provided, multiple submitters, no conflicts (2 of 4 stars). 4 submissions from 4 submitters: Benign (3); Likely benign (1). Last evaluated 2025-12-15.

Conditions:
Adenosine kinase deficiency. Also called: Hypermethioninemia due to adenosine kinase deficiency; MENTAL RETARDATION, AUTOSOMAL RECESSIVE 8. Identifiers: Orphanet 289290, Orphanet 88616, MedGen C4706555, MONDO:0100255, OMIM 614300.

Allele frequency attached by ClinVar (database versions not stated): gnomAD exomes 0.00044 and 0.00120; ExAC 0.00145; ESP Exome Variant Server 0.00446; gnomAD 0.00452 and 0.00468; TOPMed 0.00474; 1000 Genomes Project 0.00699; 1000 Genomes Project 30x 0.00781.
gnomAD v4.1: 1,354 of 1,611,802 alleles (0.084%); highest among the groups gnomAD compares: African/African-American, 1.6%; 13 homozygotes.

Submissions (4):

Labcorp Genetics (formerly Invitae), Labcorp
Classification: Benign. Last evaluated: 2025-12-15. Review status: criteria provided, single submitter. Criteria: Invitae Variant Classification Sherloc (09022015). Collection method: clinical testing. Allele origin: germline.

Blueprint Genetics
Classification: Likely benign. Last evaluated: 2024-11-25. Review status: criteria provided, single submitter. Criteria: ACMG Guidelines, 2015. Collection method: clinical testing. Allele origin: germline.

Illumina Laboratory Services, Illumina
Classification: Benign for Adenosine kinase deficiency. Last evaluated: 2018-01-13. Review status: criteria provided, single submitter. Criteria: ICSL Variant Classification Criteria 13 December 2019. Collection method: clinical testing. Allele origin: germline.
Comment: This variant was observed in the ICSL laboratory as part of a predisposition screen in an ostensibly healthy population. It had not been previously curated by ICSL or reported in the Human Gene Mutation Database (HGMD: prior to June 1st, 2018), and was therefore a candidate for classification through an automated scoring system. Utilizing variant allele frequency, disease prevalence and penetrance estimates, and inheritance mode, an automated score was calculated to assess if this variant is too frequent to cause the disease. Based on the score and internal cut-off values, a variant classified as benign is not then subjected to further curation. The score for this variant resulted in a classification of benign for this disease.

Breakthrough Genomics
Classification: Benign. Review status: criteria provided, single submitter. Criteria: ACMG Guidelines, 2015. Collection method: not provided. Allele origin: germline. Inheritance: Autosomal recessive inheritance. Affected: yes.

NM_006721.4(ADK):c.987T>C (p.Ser329=)

Gene: ADK (adenosine kinase; plus strand). Cytogenetic location: 10q22.2.
Variant type: single nucleotide variant.
Coding change: c.987T>C on transcript NM_006721.4 (MANE Select); coding-DNA position 987, T replaced by C.
Protein change: p.Ser329=; no amino-acid change (serine 329 retained).
Molecular consequence: synonymous variant. On other transcripts: missense variant (1).
Genome position (GRCh38, 1-based): chr10:74,708,343, T>C. VCF-style: chr10-74708343-T-C. GRCh37 (hg19) VCF-style: chr10-76468101-T-C.
Other names: c.936T>C, p.Ser312= (NM_001123.4); c.882T>C, p.Ser294= (NM_001202449.2); c.816T>C, p.Ser272= (NM_001202450.2); c.872T>C, p.Leu291Pro (NM_001369123.1); c.765T>C, p.Ser255= (NM_001369124.1); short protein forms L291P.
Identifiers: ClinVar variation 716932 (VCV000716932.16), dbSNP rs116653664, ClinGen allele CA5564134.